The following is an entry in ClinVar:

NM_181882.3(PRX):c.3562C>A (p.Pro1188Thr)

Gene: PRX (periaxin; minus strand). Cytogenetic location: 19q13.2.
Variant type: single nucleotide variant.
Coding change: c.3562C>A on transcript NM_181882.3 (MANE Select); coding-DNA position 3562, C replaced by A.
Protein change: p.Pro1188Thr; replaces proline 1188 with threonine.
Molecular consequence: missense variant. On other transcripts: 3 prime UTR variant (1).
Genome position (GRCh38, 1-based): chr19:40,394,790, G>T on the plus strand (C>A on the coding strand, the complement: PRX is on the minus strand). VCF-style: chr19-40394790-G-T. GRCh37 (hg19) VCF-style: chr19-40900697-G-T.
Other names: c.*3767C>A (NM_020956.2); short protein forms P1188T.
Identifiers: ClinVar variation 568852 (VCV000568852.9), dbSNP rs878855284, ClinGen allele CA405893170.

ClinVar aggregate classification (germline): Uncertain significance. Review status: criteria provided, multiple submitters, no conflicts (2 of 4 stars). 2 submissions from 2 submitters: Uncertain significance (2). Last evaluated 2023-09-26.

Conditions:
Charcot-Marie-Tooth disease type 4. Also called: Charcot-Marie-Tooth, Type 4; Charcot-Marie-Tooth disease, type IV. Identifiers: Orphanet 64749, MedGen C4082197, MONDO:0018995.
Inborn genetic diseases. Identifiers: MedGen C0950123, MeSH D030342.

Allele frequency attached by ClinVar (database versions not stated): gnomAD 0.00001.

Submissions (2):

Ambry Genetics
Classification: Uncertain significance for Inborn genetic diseases. Last evaluated: 2023-09-26. Review status: criteria provided, single submitter. Criteria: Ambry Variant Classification Scheme 2023. Collection method: clinical testing. Allele origin: germline.

Labcorp Genetics (formerly Invitae), Labcorp
Classification: Uncertain significance for Charcot-Marie-Tooth disease type 4. Last evaluated: 2022-03-09. Review status: criteria provided, single submitter. Criteria: Invitae Variant Classification Sherloc (09022015). Collection method: clinical testing. Allele origin: germline.
Comment: This sequence change replaces proline, which is neutral and non-polar, with threonine, which is neutral and polar, at codon 1188 of the PRX protein (p.Pro1188Thr). In summary, the available evidence is currently insufficient to determine the role of this variant in disease. Therefore, it has been classified as a Variant of Uncertain Significance. Algorithms developed to predict the effect of sequence changes on RNA splicing suggest that this variant may create or strengthen a splice site. Algorithms developed to predict the effect of missense changes on protein structure and function (SIFT, PolyPhen-2, Align-GVGD) all suggest that this variant is likely to be disruptive. ClinVar contains an entry for this variant (Variation ID: 568852). This variant has not been reported in the literature in individuals affected with PRX-related conditions. This variant is present in population databases (no rsID available, gnomAD 0.003%).